The following is an entry in ClinVar:

ClinVar aggregate classification (germline): Benign/Likely benign. Review status: criteria provided, multiple submitters, no conflicts (2 of 4 stars). 8 submissions from 8 submitters: Benign (7); Likely benign (1). Last evaluated 2026-02-04.

Conditions:
Immunodeficiency 15a. Identifiers: Orphanet 700205, MedGen C4748694, MONDO:0032599, OMIM 618204.
Severe combined immunodeficiency due to IKK2 deficiency. Also called: IMMUNODEFICIENCY 15B; Immunodeficiency 15. Identifiers: Orphanet 397787, MedGen C4747743, MONDO:0014267, OMIM 615592.

Allele frequency attached by ClinVar (database versions not stated): 1000 Genomes Project 30x 0.68785; 1000 Genomes Project 0.69529; ESP Exome Variant Server 0.75342; TOPMed 0.75397; gnomAD 0.75434 and 0.76003; ExAC 0.85321; gnomAD exomes 0.86255.
gnomAD v4.1: 1,393,385 of 1,568,716 alleles (89%); highest among the groups gnomAD compares: Non-Finnish European, 93%; 630,529 homozygotes.

Submissions (8):

Labcorp Genetics (formerly Invitae), Labcorp
Classification: Benign for Severe combined immunodeficiency due to IKK2 deficiency. Last evaluated: 2026-02-04. Review status: criteria provided, single submitter. Criteria: Invitae Variant Classification Sherloc (09022015). Collection method: clinical testing. Allele origin: germline.

Women's Health and Genetics/Laboratory Corporation of America, LabCorp
Classification: Benign. Last evaluated: 2026-01-21. Review status: criteria provided, single submitter. Criteria: LabCorp Variant Classification Summary - May 2015. Collection method: clinical testing. Allele origin: germline.

Blueprint Genetics
Classification: Likely benign. Last evaluated: 2024-11-27. Review status: criteria provided, single submitter. Criteria: ACMG Guidelines, 2015. Collection method: clinical testing. Allele origin: germline.

Unidad de Genómica Garrahan, Hospital de Pediatría Garrahan
Classification: Benign. Last evaluated: 2023-11-12. Review status: criteria provided, single submitter. Criteria: ACMG Guidelines, 2015. Collection method: clinical testing. Allele origin: germline. Affected: no. Observed: 94 variant alleles.
Comment: This variant is classified as Benign based on local population frequency. This variant was detected in 98% of patients studied by a panel of primary immunodeficiencies. Number of patients: 94. Only high quality variants are reported.

Genome-Nilou Lab
Classification: Benign for Immunodeficiency 15a. Last evaluated: 2021-08-10. Review status: criteria provided, single submitter. Criteria: ACMG Guidelines, 2015. Collection method: clinical testing. Allele origin: germline. Affected: no.

GeneDx
Classification: Benign. Last evaluated: 2018-11-12. Review status: criteria provided, single submitter. Criteria: GeneDx Variant Classification Process June 2021. Collection method: clinical testing. Allele origin: germline. Affected: yes.

Laboratory for Molecular Medicine, Mass General Brigham Personalized Medicine
Classification: Benign. Last evaluated: 2016-03-28. Review status: criteria provided, single submitter. Criteria: LMM Criteria. Collection method: clinical testing. Allele origin: germline.
Comment: Variant identified in a genome or exome case(s) and assessed due to predicted null impact of the variant or pathogenic assertions in the literature or databases. Disclaimer: This variant has not undergone full assessment. The following are preliminary notes: Frequency

Breakthrough Genomics
Classification: Benign. Review status: criteria provided, single submitter. Criteria: ACMG Guidelines, 2015. Collection method: not provided. Allele origin: germline. Inheritance: Autosomal recessive inheritance. Affected: yes.

NM_001556.3(IKBKB):c.1240+14A>T

Gene: IKBKB (inhibitor of nuclear factor kappa B kinase subunit beta; plus strand). Cytogenetic location: 8p11.21.
Variant type: single nucleotide variant.
Coding change: c.1240+14A>T on transcript NM_001556.3 (MANE Select); 14 bases into the intron after coding-DNA position 1240, A replaced by T.
Molecular consequence: intron variant.
Genome position (GRCh38, 1-based): chr8:42,317,785, A>T. VCF-style: chr8-42317785-A-T. GRCh37 (hg19) VCF-style: chr8-42175303-A-T.
Other names: c.1063+14A>T (NM_001242778.2); c.1048+14A>T (NM_001190720.3).
Identifiers: ClinVar variation 402969 (VCV000402969.20), dbSNP rs2294100, ClinGen allele CA4731930.